The following is an entry in ClinVar:

NM_006017.3(PROM1):c.303+1G>C

Gene: PROM1 (prominin 1; minus strand). Cytogenetic location: 4p15.32.
Variant type: single nucleotide variant.
Coding change: c.303+1G>C on transcript NM_006017.3 (MANE Select); the canonical splice donor site of the intron after coding-DNA position 303, G replaced by C.
Molecular consequence: splice donor variant. On other transcripts: intron variant (7).
Genome position (GRCh38, 1-based): chr4:16,035,734, C>G on the plus strand (G>C on the coding strand, the complement: PROM1 is on the minus strand). VCF-style: chr4-16035734-C-G. GRCh37 (hg19) VCF-style: chr4-16037357-C-G.
Other names: c.277-2225G>C (NM_001371408.1, NM_001371406.1, NM_001371407.1 and 4 more transcripts); c.303+1G>C (NM_001145850.2, NM_001145849.2).
Identifiers: ClinVar variation 2128481 (VCV002128481.4), dbSNP rs777673930, ClinGen allele CA356428510.

ClinVar aggregate classification (germline): Pathogenic (1 of 4 stars; one submission).

Submission:

Labcorp Genetics (formerly Invitae), Labcorp
Classification: Pathogenic. Last evaluated: 2022-04-20. Review status: criteria provided, single submitter. Criteria: Invitae Variant Classification Sherloc (09022015). Collection method: clinical testing. Allele origin: germline.
Comment: Disruption of this splice site has been observed in individuals with autosomal recessive retinitis pigmentosa (PMID: 31129250; Invitae). This variant has been reported in individual(s) with autosomal dominant macular dystrophy (PMID: 29343940, 31129250; Invitae); however, the role of the variant in this condition is currently unclear. Algorithms developed to predict the effect of sequence changes on RNA splicing suggest that this variant may disrupt the consensus splice site. For these reasons, this variant has been classified as Pathogenic. This sequence change affects a donor splice site in intron 3 of the PROM1 gene. It is expected to disrupt RNA splicing. Variants that disrupt the donor or acceptor splice site typically lead to a loss of protein function (PMID: 16199547), and loss-of-function variants in PROM1 are known to be pathogenic (PMID: 17605048, 19718270, 24154662, 25474345). This variant is not present in population databases (gnomAD no frequency).

Literature cited by the submitters: PubMed 31129250; PubMed 29343940; PubMed 16199547; PubMed 17605048; PubMed 19718270; PubMed 24154662; PubMed 25474345.